The following is an entry in ClinVar:

ClinVar aggregate classification (germline): Likely benign. Review status: criteria provided, multiple submitters, no conflicts (2 of 4 stars). 4 submissions from 4 submitters: Likely benign (3). 1 of the submissions does not count toward it. Last evaluated 2025-09-21.

Conditions:
SLC12A3-related disorder. Also called: SLC12A3-related condition.
Familial hypokalemia-hypomagnesemia (GTLMNS). Also called: HYPOMAGNESEMIA-HYPOKALEMIA, PRIMARY RENOTUBULAR, WITH HYPOCALCIURIA; POTASSIUM AND MAGNESIUM DEPLETION; gitelman syndrome. Identifiers: Orphanet 358, MedGen C0268450, MONDO:0009904, OMIM 263800.

Allele frequency attached by ClinVar (database versions not stated): gnomAD exomes 0.00006 and 0.00005; TOPMed 0.00012; gnomAD 0.00010; ExAC 0.00005.
gnomAD v4.1: 97 of 1,614,064 alleles (0.006%); highest among the groups gnomAD compares: Admixed American, 0.038%; no homozygotes.

Submissions (4):

Labcorp Genetics (formerly Invitae), Labcorp
Classification: Likely benign. Last evaluated: 2025-09-21. Review status: criteria provided, single submitter. Criteria: Invitae Variant Classification Sherloc (09022015). Collection method: clinical testing. Allele origin: germline.

Mayo Clinic Laboratories, Mayo Clinic
Classification: Likely benign. Last evaluated: 2025-07-15. Review status: criteria provided, single submitter. Criteria: ACMG Guidelines, 2015. Collection method: clinical testing. Allele origin: germline. Observed: 1 variant allele.
Comment: BP4, BP7

Fulgent Genetics
Classification: Likely benign for Familial hypokalemia-hypomagnesemia. Last evaluated: 2022-02-23. Review status: criteria provided, single submitter. Criteria: ACMG Guidelines, 2015. Collection method: clinical testing. Allele origin: unknown.

PreventionGenetics, part of Exact Sciences
Classification: Likely benign for SLC12A3-related condition. Last evaluated: 2019-06-26. Review status: no assertion criteria provided. Collection method: clinical testing. Allele origin: germline. Not counted in ClinVar's aggregate classification.
Comment: This variant is classified as likely benign based on ACMG/AMP sequence variant interpretation guidelines (Richards et al. 2015 PMID: 25741868, with internal and published modifications).

NM_001126108.2(SLC12A3):c.2961C>T (p.Ser987=)

Genes: SLC12A3 (solute carrier family 12 member 3; plus strand), LOC126862361 (CDK7 strongly-dependent group 2 enhancer GRCh37_chr16:56946332-56947531; plus strand). Cytogenetic location: 16q13.
Variant type: single nucleotide variant.
Coding change: c.2961C>T on transcript NM_001126108.2 (MANE Select); coding-DNA position 2961, C replaced by T.
Protein change: p.Ser987=; no amino-acid change (serine 987 retained).
Molecular consequence: synonymous variant.
Genome position (GRCh38, 1-based): chr16:56,913,300, C>T. VCF-style: chr16-56913300-C-T. GRCh37 (hg19) VCF-style: chr16-56947212-C-T.
Other names: p.Ser996=; c.2988C>T, p.Ser996= (NM_000339.3); c.2985C>T, p.Ser995= (NM_001126107.2).
Identifiers: ClinVar variation 793843 (VCV000793843.15), dbSNP rs760690845, ClinGen allele CA8070174.